The following is an entry in ClinVar:

ClinVar aggregate classification (germline): Pathogenic (1 of 4 stars; one submission).

gnomAD v4.1: 2 of 1,613,796 alleles (0.00012%); highest among the groups gnomAD compares: Admixed American, 0.0033%; no homozygotes.

Submission:

Labcorp Genetics (formerly Invitae), Labcorp
Classification: Pathogenic. Last evaluated: 2023-03-03. Review status: criteria provided, single submitter. Criteria: Invitae Variant Classification Sherloc (09022015). Collection method: clinical testing. Allele origin: germline.
Comment: For these reasons, this variant has been classified as Pathogenic. This variant has not been reported in the literature in individuals affected with GP6-related conditions. This variant is present in population databases (rs778339783, gnomAD 0.006%). This sequence change creates a premature translational stop signal (p.Glu158*) in the GP6 gene. It is expected to result in an absent or disrupted protein product. Loss-of-function variants in GP6 are known to be pathogenic (PMID: 16139873, 23815599).

Literature cited by the submitters: PubMed 16139873; PubMed 23815599.

NM_016363.5(GP6):c.472G>T (p.Glu158Ter)

Gene: GP6 (glycoprotein VI platelet; minus strand). Cytogenetic location: 19q13.42.
Variant type: single nucleotide variant.
Coding change: c.472G>T on transcript NM_016363.5 (MANE Select); coding-DNA position 472, G replaced by T.
Protein change: p.Glu158Ter; replaces glutamic acid 158 with a stop codon.
Molecular consequence: nonsense.
Genome position (GRCh38, 1-based): chr19:55,027,716, C>A on the plus strand (G>T on the coding strand, the complement: GP6 is on the minus strand). VCF-style: chr19-55027716-C-A. GRCh37 (hg19) VCF-style: chr19-55539084-C-A.
Other names: c.472G>T, p.Glu158Ter (NM_001083899.2, NM_001256017.2); short protein forms E158*.
Identifiers: ClinVar variation 2789712 (VCV002789712.3), dbSNP rs778339783, ClinGen allele CA310130140.
Genomic context (GRCh38, chr19:55,027,716, plus strand): 5'-AGGTTCCGCTGTGGGCGGCGGTCACCGTGATGATGGGAAAACTAGCCCTGTACCATCTCT[C>A]GGGATTCTTGTAGGGCGCAGGGTCCCCTTCCTTGTACAGAGCAAATTGGTCAAAGCCATA-3'